The following is an entry in ClinVar:

NM_003002.4(SDHD):c.333T>C (p.Val111=)

Gene: SDHD (succinate dehydrogenase complex subunit D; plus strand). Cytogenetic location: 11q23.1.
Variant type: single nucleotide variant.
Coding change: c.333T>C on transcript NM_003002.4 (MANE Select); coding-DNA position 333, T replaced by C.
Protein change: p.Val111=; no amino-acid change (valine 111 retained).
Molecular consequence: synonymous variant. On other transcripts: 3 prime UTR variant (1), non-coding transcript variant (1), missense variant (1).
Genome position (GRCh38, 1-based): chr11:112,094,823, T>C. VCF-style: chr11-112094823-T-C. GRCh37 (hg19) VCF-style: chr11-111965547-T-C.
Other names: c.216T>C, p.Val72= (NM_001276504.2); c.*31T>C (NM_001276506.2); c.188T>C, p.Leu63Ser (NM_001276503.2); short protein forms L63S.
Identifiers: ClinVar variation 3905990 (VCV003905990.10).

ClinVar aggregate classification (germline): Uncertain significance (1 of 4 stars; one submission).

Submission:

CeGaT Center for Human Genetics Tuebingen
Classification: Uncertain significance. Last evaluated: 2025-05-01. Review status: criteria provided, single submitter. Criteria: CeGaT Center For Human Genetics Tuebingen Variant Classification Criteria Version 2. Collection method: clinical testing. Allele origin: germline. Affected: yes. Observed: 1 variant allele.
Comment: SDHD: PM2, PP3